The following is an entry in ClinVar:

NM_003235.5(TG):c.7414G>C (p.Val2472Leu)

Genes: SLA (Src like adaptor; minus strand), TG (thyroglobulin; plus strand). Cytogenetic location: 8q24.22.
Variant type: single nucleotide variant.
Coding change: c.7414G>C on transcript NM_003235.5 (MANE Select); coding-DNA position 7414, G replaced by C.
Protein change: p.Val2472Leu; replaces valine 2472 with leucine.
Molecular consequence: missense variant. On other transcripts: intron variant (4).
Genome position (GRCh38, 1-based): chr8:133,096,215, G>C. VCF-style: chr8-133096215-G-C. GRCh37 (hg19) VCF-style: chr8-134108459-G-C.
Other names: c.-264+6338C>G (NM_001282965.2); c.11+6338C>G (NM_001282964.2, NM_001045557.3); c.-319+6338C>G (NM_001045556.3); short protein forms V2472L.
Identifiers: ClinVar variation 768264 (VCV000768264.13), dbSNP rs61730222, ClinGen allele CA4885640.

ClinVar aggregate classification (germline): Benign/Likely benign. Review status: criteria provided, multiple submitters, no conflicts (2 of 4 stars). 4 submissions from 4 submitters: Benign (1); Likely benign (3). Last evaluated 2026-05-11.

Conditions:
Iodotyrosyl coupling defect (TDH3). Also called: HYPOTHYROIDISM, CONGENITAL, DUE TO DYSHORMONOGENESIS, 3; THYROID HORMONOGENESIS, GENETIC DEFECT IN, 3. Identifiers: Orphanet 95716, MedGen C0342194, MONDO:0010135, OMIM 274700.

Allele frequency attached by ClinVar (database versions not stated): TOPMed 0.01919; ESP Exome Variant Server 0.01938; 1000 Genomes Project 0.01797; 1000 Genomes Project 30x 0.01889.
gnomAD v4.1: 5,114 of 1,614,188 alleles (0.32%); highest among the groups gnomAD compares: African/African-American, 6.1%; 150 homozygotes.

Submissions (4):

Women's Health and Genetics/Laboratory Corporation of America, LabCorp
Classification: Likely benign. Last evaluated: 2026-05-11. Review status: criteria provided, single submitter. Criteria: LabCorp Variant Classification Summary - May 2015. Collection method: clinical testing. Allele origin: germline.

Labcorp Genetics (formerly Invitae), Labcorp
Classification: Benign. Last evaluated: 2026-02-02. Review status: criteria provided, single submitter. Criteria: Invitae Variant Classification Sherloc (09022015). Collection method: clinical testing. Allele origin: germline.

Illumina Laboratory Services, Illumina
Classification: Likely benign for Iodotyrosyl coupling defect. Last evaluated: 2018-01-13. Review status: criteria provided, single submitter. Criteria: ICSL Variant Classification Criteria 13 December 2019. Collection method: clinical testing. Allele origin: germline.
Comment: This variant was observed in the ICSL laboratory as part of a predisposition screen in an ostensibly healthy population. It had not been previously curated by ICSL or reported in the Human Gene Mutation Database (HGMD: prior to June 1st, 2018), and was therefore a candidate for classification through an automated scoring system. Utilizing variant allele frequency, disease prevalence and penetrance estimates, and inheritance mode, an automated score was calculated to assess if this variant is too frequent to cause the disease. Based on the score and internal cut-off values, a variant classified as likely benign is not then subjected to further curation. The score for this variant resulted in a classification of likely benign for this disease.

Breakthrough Genomics
Classification: Likely benign. Review status: criteria provided, single submitter. Criteria: ACMG Guidelines, 2015. Collection method: not provided. Allele origin: germline. Inheritance: Autosomal recessive inheritance. Affected: yes.